The following is an entry in ClinVar:

NM_198586.3(NHLRC1):c.407C>T (p.Pro136Leu)

Gene: NHLRC1 (NHL repeat containing E3 ubiquitin protein ligase 1; minus strand). Cytogenetic location: 6p22.3.
Variant type: single nucleotide variant.
Coding change: c.407C>T on transcript NM_198586.3 (MANE Select); coding-DNA position 407, C replaced by T.
Protein change: p.Pro136Leu; replaces proline 136 with leucine.
Molecular consequence: missense variant.
Genome position (GRCh38, 1-based): chr6:18,122,200, G>A on the plus strand (C>T on the coding strand, the complement: NHLRC1 is on the minus strand). VCF-style: chr6-18122200-G-A. GRCh37 (hg19) VCF-style: chr6-18122431-G-A.
Other names: short protein forms P136L.
Identifiers: ClinVar variation 942758 (VCV000942758.10), dbSNP rs1783749565, ClinGen allele CA362828541.

ClinVar aggregate classification (germline): Uncertain significance (1 of 4 stars; one submission).

Conditions:
Lafora disease. Also called: Epilepsy progressive myoclonic 2; Progressive Myoclonus Epilepsy, Lafora Type. Identifiers: Orphanet 501, MedGen C0751783, MONDO:0009697.

Submission:

Labcorp Genetics (formerly Invitae), Labcorp
Classification: Uncertain significance for Lafora disease. Last evaluated: 2019-07-23. Review status: criteria provided, single submitter. Criteria: Invitae Variant Classification Sherloc (09022015). Collection method: clinical testing. Allele origin: germline.
Comment: In summary, the available evidence is currently insufficient to determine the role of this variant in disease. Therefore, it has been classified as a Variant of Uncertain Significance. Algorithms developed to predict the effect of missense changes on protein structure and function (SIFT, PolyPhen-2, Align-GVGD) all suggest that this variant is likely to be tolerated, but these predictions have not been confirmed by published functional studies and their clinical significance is uncertain. This variant has not been reported in the literature in individuals with NHLRC1-related conditions. This variant is not present in population databases (ExAC no frequency). This sequence change replaces proline with leucine at codon 136 of the NHLRC1 protein (p.Pro136Leu). The proline residue is highly conserved and there is a moderate physicochemical difference between proline and leucine.